The following is an entry in ClinVar:

ClinVar aggregate classification (germline): Pathogenic (1 of 4 stars; one submission).

Conditions:
Niemann-Pick disease, type C1. Also called: NEUROVISCERAL STORAGE DISEASE WITH VERTICAL SUPRANUCLEAR OPHTHALMOPLEGIA; NIEMANN-PICK DISEASE WITH CHOLESTEROL ESTERIFICATION BLOCK; NIEMANN-PICK DISEASE WITHOUT SPHINGOMYELINASE DEFICIENCY; NIEMANN-PICK DISEASE, CHRONIC NEURONOPATHIC FORM; NIEMANN-PICK DISEASE, VARIANT TYPE C1. Identifiers: Orphanet 646, MedGen C3179455, MONDO:0009757, OMIM 257220.

Submission:

Labcorp Genetics (formerly Invitae), Labcorp
Classification: Pathogenic for Niemann-Pick disease, type C1. Last evaluated: 2023-03-25. Review status: criteria provided, single submitter. Criteria: Invitae Variant Classification Sherloc (09022015). Collection method: clinical testing. Allele origin: germline.
Comment: This variant is not present in population databases (gnomAD no frequency). For these reasons, this variant has been classified as Pathogenic. This variant has not been reported in the literature in individuals affected with NPC1-related conditions. This sequence change creates a premature translational stop signal (p.Asp994Glufs*4) in the NPC1 gene. It is expected to result in an absent or disrupted protein product. Loss-of-function variants in NPC1 are known to be pathogenic (PMID: 9211850).

Literature cited by the submitters: PubMed 9211850.

NM_000271.5(NPC1):c.2977_2978dup (p.Asp994fs)

Gene: NPC1 (NPC intracellular cholesterol transporter 1; minus strand). Cytogenetic location: 18q11.2.
Variant type: Duplication.
Coding change: c.2977_2978dup on transcript NM_000271.5 (MANE Select); coding-DNA positions 2977 to 2978, 2 bases duplicated (GG; older notation c.2977_2978dupGG).
Protein change: p.Asp994fs; shifts the reading frame from aspartic acid 994.
Molecular consequence: frameshift variant.
Genome position (GRCh38, 1-based): chr18:23,538,605-23,538,606, CC duplicated on the plus strand (GG on the coding strand, the reverse complement: NPC1 is on the minus strand); duplicating any 2 consecutive bases within chr18:23,538,605-23,538,610 gives the same sequence; the c. name uses the placement nearest the transcript's 3' end. VCF-style (leftmost placement, unchanged base first): chr18-23538604-T-TCC. GRCh37 (hg19) VCF-style: chr18-21118568-T-TCC.
Other names: short protein forms D994fs.
Identifiers: ClinVar variation 2849332 (VCV002849332.3), dbSNP rs775915490, ClinGen allele CA2641271627.